The following is an entry in ClinVar:

NM_001024630.4(RUNX2):c.1182T>A (p.Tyr394Ter)

Gene: RUNX2 (RUNX family transcription factor 2; plus strand). Cytogenetic location: 6p21.1.
Variant type: single nucleotide variant.
Coding change: c.1182T>A on transcript NM_001024630.4 (MANE Select); coding-DNA position 1182, T replaced by A.
Protein change: p.Tyr394Ter; replaces tyrosine 394 with a stop codon.
Molecular consequence: nonsense.
Genome position (GRCh38, 1-based): chr6:45,546,921, T>A. VCF-style: chr6-45546921-T-A. GRCh37 (hg19) VCF-style: chr6-45514658-T-A.
Other names: c.1116T>A, p.Tyr372Ter (NM_001015051.4); c.1074T>A, p.Tyr358Ter (NM_001278478.2); c.1140T>A, p.Tyr380Ter (NM_001369405.1, NM_004348.3); short protein forms Y358*, Y372*, Y380*, Y394*.
Identifiers: ClinVar variation 2635587 (VCV002635587.1), dbSNP rs2481024491, ClinGen allele CA363956675.
Genomic context (GRCh38, chr6:45,546,921, plus strand): 5'-GCAGTTCCCAAGCATTTCATCCCTCACTGAGAGCCGCTTCTCCAACCCACGAATGCACTA[T>A]CCAGCCACCTTTACTTACACCCCGCCAGTCACCTCAGGCATGTCCCTCGGTATGTCCGCC-3'

ClinVar aggregate classification (germline): Pathogenic (1 of 4 stars; one submission).

Conditions:
RUNX2-related disorder. Also called: RUNX2-related condition.

Submission:

PreventionGenetics, part of Exact Sciences
Classification: Pathogenic for RUNX2-related condition. Last evaluated: 2022-10-27. Review status: criteria provided, single submitter. Criteria: ACMG Guidelines, 2015. Collection method: clinical testing. Allele origin: germline.
Comment: The RUNX2 c.1182T>A variant is predicted to result in premature protein termination (p.Tyr394*). This variant was reported in an individual with cleidocranial dysplasia (Lo Muzio et al. 2007. PubMed ID: 17522365). This variant has not been reported in a large population database, indicating this variant is rare. Nonsense variants in RUNX2 are expected to be pathogenic. This variant is interpreted as pathogenic.